The following is an entry in ClinVar:

NM_145691.4(ATPAF2):c.864G>A (p.Lys288=)

Gene: ATPAF2 (ATP synthase mitochondrial F1 complex assembly factor 2; minus strand). Cytogenetic location: 17p11.2.
Variant type: single nucleotide variant.
Coding change: c.864G>A on transcript NM_145691.4 (MANE Select); coding-DNA position 864, G replaced by A.
Protein change: p.Lys288=; no amino-acid change (lysine 288 retained).
Molecular consequence: synonymous variant.
Genome position (GRCh38, 1-based): chr17:18,018,555, C>T on the plus strand (G>A on the coding strand, the complement: ATPAF2 is on the minus strand). VCF-style: chr17-18018555-C-T. GRCh37 (hg19) VCF-style: chr17-17921869-C-T.
Identifiers: ClinVar variation 3632604 (VCV003632604.2).

ClinVar aggregate classification (germline): Uncertain significance (1 of 4 stars; one submission).

Submission:

Labcorp Genetics (formerly Invitae), Labcorp
Classification: Uncertain significance. Last evaluated: 2024-11-22. Review status: criteria provided, single submitter. Criteria: Invitae Variant Classification Sherloc (09022015). Collection method: clinical testing. Allele origin: germline.
Comment: This sequence change affects codon 288 of the ATPAF2 mRNA. It is a 'silent' change, meaning that it does not change the encoded amino acid sequence of the ATPAF2 protein. This variant is not present in population databases (gnomAD no frequency). This variant has not been reported in the literature in individuals affected with ATPAF2-related conditions. Algorithms developed to predict the effect of sequence changes on RNA splicing suggest that this variant may create or strengthen a splice site. In summary, the available evidence is currently insufficient to determine the role of this variant in disease. Therefore, it has been classified as a Variant of Uncertain Significance.